The following is an entry in ClinVar:

ClinVar aggregate classification (germline): Pathogenic (1 of 4 stars; one submission).

Conditions:
Brittle cornea syndrome 2 (BCS2). Identifiers: Orphanet 90354, MedGen C3280011, MONDO:0013605, OMIM 614170.

Submission:

3billion
Classification: Pathogenic for Brittle cornea syndrome 2. Last evaluated: 2025-10-07. Review status: criteria provided, single submitter. Criteria: ACMG Guidelines, 2015. Collection method: clinical testing. Allele origin: germline. Affected: yes.
Comment: The variant is not observed in the gnomAD v4.1.0 dataset. Predicted Consequence/Location: Canonical splice site: predicted to alter splicing and result in a loss or disruption of normal protein function. Multiple pathogenic loss-of-function variants are reported downstream of the variant. In silico tools predict the variant to alter splicing and produce an abnormal transcript [SpliceAI: 0.88 (spliceogenicity >=0.2, non-spliceogenicity <0.1)]. Therefore, this variant is classified as Pathogenic according to the recommendation of ACMG/AMP guideline.

NM_018699.4(PRDM5):c.1283-1G>A

Gene: PRDM5 (PR/SET domain 5; minus strand). Cytogenetic location: 4q27.
Variant type: single nucleotide variant.
Coding change: c.1283-1G>A on transcript NM_018699.4 (MANE Select); the canonical splice acceptor site of the intron before coding-DNA position 1283, G replaced by A.
Molecular consequence: splice acceptor variant.
Genome position (GRCh38, 1-based): chr4:120,781,304, C>T on the plus strand (G>A on the coding strand, the complement: PRDM5 is on the minus strand). VCF-style: chr4-120781304-C-T. GRCh37 (hg19) VCF-style: chr4-121702459-C-T.
Other names: c.1190-1G>A (NM_001300824.2, NM_001379106.1, NM_001300823.2); c.1316-1G>A (NM_001379104.1).
Identifiers: ClinVar variation 4855826 (VCV004855826.1).